The following is an entry in ClinVar:

NM_152296.5(ATP1A3):c.855C>A (p.Ile285=)

Gene: ATP1A3 (ATPase Na+/K+ transporting subunit alpha 3; minus strand). Cytogenetic location: 19q13.2.
Variant type: single nucleotide variant.
Coding change: c.855C>A on transcript NM_152296.5 (MANE Select); coding-DNA position 855, C replaced by A.
Protein change: p.Ile285=; no amino-acid change (isoleucine 285 retained).
Molecular consequence: synonymous variant.
Genome position (GRCh38, 1-based): chr19:41,985,056, G>T on the plus strand (C>A on the coding strand, the complement: ATP1A3 is on the minus strand). VCF-style: chr19-41985056-G-T. GRCh37 (hg19) VCF-style: chr19-42489208-G-T.
Other names: c.888C>A, p.Ile296= (NM_001256213.2); c.894C>A, p.Ile298= (NM_001256214.2).
Identifiers: ClinVar variation 4982208 (VCV004982208.1).

ClinVar aggregate classification (germline): Likely benign (1 of 4 stars; one submission).

Conditions:
ATP1A3-related disorder. Also called: ATP1A3-related disorders; ATP1A3-related condition. Identifiers: MedGen CN381097.

Submission:

PreventionGenetics, part of Exact Sciences
Classification: Likely benign for ATP1A3-related condition. Last evaluated: 2025-02-07. Review status: criteria provided, single submitter. Criteria: ACMG Guidelines, 2015. Collection method: clinical testing. Allele origin: germline.
Comment: This variant is classified as likely benign based on ACMG/AMP sequence variant interpretation guidelines (Richards et al. 2015 PMID: 25741868, with internal and published modifications).